The following is an entry in ClinVar:

NM_021831.6(AGBL5):c.1931C>G (p.Thr644Ser)

Gene: AGBL5 (AGBL carboxypeptidase 5; plus strand). Cytogenetic location: 2p23.3.
Variant type: single nucleotide variant.
Coding change: c.1931C>G on transcript NM_021831.6 (MANE Select); coding-DNA position 1931, C replaced by G.
Protein change: p.Thr644Ser; replaces threonine 644 with serine.
Molecular consequence: missense variant. On other transcripts: non-coding transcript variant (2).
Genome position (GRCh38, 1-based): chr2:27,059,246, C>G. VCF-style: chr2-27059246-C-G. GRCh37 (hg19) VCF-style: chr2-27282114-C-G.
Other names: c.1931C>G, p.Thr644Ser (NM_001035506.1, NM_001035507.3); short protein forms T644S.
Identifiers: ClinVar variation 2037147 (VCV002037147.2), dbSNP rs761626323, ClinGen allele CA1568016.
Genomic context (GRCh38, chr2:27,059,246, plus strand): 5'-GCAGTGGGTTGCCTGTCTCCTGCTCCGAAAACACCTTGAGTCGGGCACGAAGTTTTAGCA[C>G]CGGCACAAGTGCCGGTGGTAGCAGCAGCAGCCAACAAAATTCTCCACAGATGAAGAATTC-3'
Protein context (NP_068603.4, residues 634-654): NTLSRARSFS[Thr644Ser]GTSAGGSSSS

ClinVar aggregate classification (germline): Uncertain significance (1 of 4 stars; one submission).

Allele frequency attached by ClinVar (database versions not stated): ExAC 0.00001; gnomAD 0.00001; TOPMed 0.00001.
gnomAD v4.1: 30 of 1,614,068 alleles (0.0019%); highest among the groups gnomAD compares: Non-Finnish European, 0.0024%; no homozygotes.

Submission:

Labcorp Genetics (formerly Invitae), Labcorp
Classification: Uncertain significance. Last evaluated: 2021-12-13. Review status: criteria provided, single submitter. Criteria: Invitae Variant Classification Sherloc (09022015). Collection method: clinical testing. Allele origin: germline.
Comment: In summary, the available evidence is currently insufficient to determine the role of this variant in disease. Therefore, it has been classified as a Variant of Uncertain Significance. Algorithms developed to predict the effect of missense changes on protein structure and function (SIFT, PolyPhen-2, Align-GVGD) all suggest that this variant is likely to be tolerated. This variant has not been reported in the literature in individuals affected with AGBL5-related conditions. This variant is present in population databases (rs761626323, gnomAD 0.004%). This sequence change replaces threonine, which is neutral and polar, with serine, which is neutral and polar, at codon 644 of the AGBL5 protein (p.Thr644Ser).